The following is an entry in ClinVar:

NM_000368.5(TSC1):c.2948C>A (p.Ala983Glu)

Gene: TSC1 (TSC complex subunit 1; minus strand). Cytogenetic location: 9q34.13.
Variant type: single nucleotide variant.
Coding change: c.2948C>A on transcript NM_000368.5 (MANE Select); coding-DNA position 2948, C replaced by A.
Protein change: p.Ala983Glu; replaces alanine 983 with glutamic acid.
Molecular consequence: missense variant. On other transcripts: non-coding transcript variant (5).
Genome position (GRCh38, 1-based): chr9:132,897,211, G>T on the plus strand (C>A on the coding strand, the complement: TSC1 is on the minus strand). VCF-style: chr9-132897211-G-T. GRCh37 (hg19) VCF-style: chr9-135772598-G-T.
Other names: c.2945C>A, p.Ala982Glu (NM_001162426.2, NM_001406597.1, NM_001406598.1 and 2 more transcripts); c.2795C>A, p.Ala932Glu (NM_001162427.2, NM_001406610.1); c.2585C>A, p.Ala862Glu (NM_001362177.2, NM_001406614.1, NM_001406615.1 and 4 more transcripts); c.2948C>A, p.Ala983Glu (NM_001406592.1, NM_001406593.1, NM_001406594.1 and 2 more transcripts); c.2933C>A, p.Ala978Glu (NM_001406601.1, NM_001406602.1); c.2930C>A, p.Ala977Glu (NM_001406603.1, NM_001406604.1); c.2906C>A, p.Ala969Glu (NM_001406605.1, NM_001406606.1, NM_001406607.1); c.2903C>A, p.Ala968Glu (NM_001406608.1, NM_001406609.1); and 8 more; short protein forms A848E, A861E, A862E, A917E, A977E, A665E, A969E, A978E.
Identifiers: ClinVar variation 3462497 (VCV003462497.1).
Genomic context (GRCh38, chr9:132,897,211, plus strand): 5'-TCCCAAGGTCATGAATCAGTTCTTTGTTCCTACCTTTCTTCTGCTGCTTCAGCTGCTTCT[G>T]CTTTTTCTTCTTCAAGTTTTTTCAGGAGGCCATCTTTCTCCAACCTGCCATATAAATCTA-3'
Protein context (NP_000359.1, residues 973-993): GLLKKLEEEK[Ala983Glu]EAAEAAEERL

ClinVar aggregate classification (germline): Uncertain significance (1 of 4 stars; one submission).

Conditions:
Hereditary cancer-predisposing syndrome. Also called: Tumor predisposition; Neoplastic Syndromes, Hereditary; Hereditary neoplastic syndrome; Hereditary Cancer Syndrome. Identifiers: Orphanet 140162, MedGen C0027672, MeSH D009386, MONDO:0015356.

Submission:

Ambry Genetics
Classification: Uncertain significance for Hereditary cancer-predisposing syndrome. Last evaluated: 2024-11-10. Review status: criteria provided, single submitter. Criteria: Ambry Variant Classification Scheme 2023. Collection method: clinical testing. Allele origin: germline.
Comment: The p.A983E variant (also known as c.2948C>A), located in coding exon 20 of the TSC1 gene, results from a C to A substitution at nucleotide position 2948. The alanine at codon 983 is replaced by glutamic acid, an amino acid with dissimilar properties. This amino acid position is conserved. In addition, this alteration is predicted to be tolerated by in silico analysis. Based on the available evidence, the clinical significance of this variant remains unclear.